The following is an entry in ClinVar:

ClinVar aggregate classification (germline): Uncertain significance. Review status: criteria provided, multiple submitters, no conflicts (2 of 4 stars). 2 submissions from 2 submitters: Uncertain significance (2). Last evaluated 2024-02-24.

Conditions:
Inborn genetic diseases. Identifiers: MedGen C0950123, MeSH D030342.

Allele frequency attached by ClinVar (database versions not stated): gnomAD exomes 0.00003; ExAC 0.00006; 1000 Genomes Project 30x 0.00016; 1000 Genomes Project 0.00020.
gnomAD v4.1: 29 of 1,591,076 alleles (0.0018%); highest among the groups gnomAD compares: East Asian, 0.023%; no homozygotes.

Submissions (2):

Labcorp Genetics (formerly Invitae), Labcorp
Classification: Uncertain significance. Last evaluated: 2024-02-24. Review status: criteria provided, single submitter. Criteria: Invitae Variant Classification Sherloc (09022015). Collection method: clinical testing. Allele origin: germline.
Comment: This sequence change replaces arginine, which is basic and polar, with histidine, which is basic and polar, at codon 488 of the LETM1 protein (p.Arg488His). This variant is present in population databases (rs552919478, gnomAD 0.05%). This variant has not been reported in the literature in individuals affected with LETM1-related conditions. ClinVar contains an entry for this variant (Variation ID: 1445119). An algorithm developed to predict the effect of missense changes on protein structure and function (PolyPhen-2) suggests that this variant¬†is likely to be tolerated. In summary, the available evidence is currently insufficient to determine the role of this variant in disease. Therefore, it has been classified as a Variant of Uncertain Significance.

Ambry Genetics
Classification: Uncertain significance for Inborn genetic diseases. Last evaluated: 2023-12-17. Review status: criteria provided, single submitter. Criteria: Ambry Variant Classification Scheme 2023. Collection method: clinical testing. Allele origin: germline.

NM_012318.3(LETM1):c.1463G>A (p.Arg488His)

Gene: LETM1 (leucine zipper and EF-hand containing transmembrane protein 1; minus strand). Cytogenetic location: 4p16.3.
Variant type: single nucleotide variant.
Coding change: c.1463G>A on transcript NM_012318.3 (MANE Select); coding-DNA position 1463, G replaced by A.
Protein change: p.Arg488His; replaces arginine 488 with histidine.
Molecular consequence: missense variant.
Genome position (GRCh38, 1-based): chr4:1,823,001, C>T on the plus strand (G>A on the coding strand, the complement: LETM1 is on the minus strand). VCF-style: chr4-1823001-C-T. GRCh37 (hg19) VCF-style: chr4-1824728-C-T.
Other names: c.1463G>A (NM_012318.2); short protein forms R488H.
Identifiers: ClinVar variation 1445119 (VCV001445119.8), dbSNP rs552919478, ClinGen allele CA2811276.